The following is an entry in ClinVar:

ClinVar aggregate classification (germline): Uncertain significance (1 of 4 stars; one submission).

Conditions:
Hereditary cancer-predisposing syndrome. Also called: Neoplastic Syndromes, Hereditary; Tumor predisposition; Hereditary neoplastic syndrome; Hereditary Cancer Syndrome. Identifiers: Orphanet 140162, MedGen C0027672, MeSH D009386, MONDO:0015356.

Submission:

Ambry Genetics
Classification: Uncertain significance for Hereditary cancer-predisposing syndrome. Last evaluated: 2026-07-06. Review status: criteria provided, single submitter. Criteria: Ambry Variant Classification Scheme 2023. Collection method: clinical testing. Allele origin: germline.
Comment: The p.K1194R variant (also known as c.3581A>G), located in coding exon 19 of the BRIP1 gene, results from an A to G substitution at nucleotide position 3581. The lysine at codon 1194 is replaced by arginine, an amino acid with highly similar properties. This amino acid position is conserved. In addition, this alteration is predicted to be tolerated by in silico analysis. Based on the available evidence, the clinical significance of this variant remains unclear.

NM_032043.3(BRIP1):c.3581A>G (p.Lys1194Arg)

Gene: BRIP1 (BRCA1 interacting DNA helicase 1; minus strand). Cytogenetic location: 17q23.2.
Variant type: single nucleotide variant.
Coding change: c.3581A>G on transcript NM_032043.3 (MANE Select); coding-DNA position 3581, A replaced by G.
Protein change: p.Lys1194Arg; replaces lysine 1194 with arginine.
Molecular consequence: missense variant.
Genome position (GRCh38, 1-based): chr17:61,683,465, T>C on the plus strand (A>G on the coding strand, the complement: BRIP1 is on the minus strand). VCF-style: chr17-61683465-T-C. GRCh37 (hg19) VCF-style: chr17-59760826-T-C.
Other names: short protein forms K1194R.
Identifiers: ClinVar variation 5033400 (VCV005033400.1).